The following is an entry in ClinVar:

NM_004656.4(BAP1):c.2110G>C (p.Val704Leu)

Gene: BAP1 (BRCA1 associated deubiquitinase 1; minus strand). Cytogenetic location: 3p21.1.
Variant type: single nucleotide variant.
Coding change: c.2110G>C on transcript NM_004656.4 (MANE Select); coding-DNA position 2110, G replaced by C.
Protein change: p.Val704Leu; replaces valine 704 with leucine.
Molecular consequence: missense variant.
Genome position (GRCh38, 1-based): chr3:52,402,368, C>G on the plus strand (G>C on the coding strand, the complement: BAP1 is on the minus strand). VCF-style: chr3-52402368-C-G. GRCh37 (hg19) VCF-style: chr3-52436384-C-G.
Other names: c.2056G>C, p.Val686Leu (NM_001410772.1); short protein forms V686L, V704L.
Identifiers: ClinVar variation 3667263 (VCV003667263.2).

ClinVar aggregate classification (germline): Uncertain significance (1 of 4 stars; one submission).

Conditions:
BAP1-related tumor predisposition syndrome (TPDS1). Also called: BAP1 tumor predisposition syndrome; Tumor susceptibility linked to germline BAP1 mutations; COMMON Syndrome; TUMOR PREDISPOSITION SYNDROME 1. Identifiers: Orphanet 289539, MedGen C3280492, MONDO:0013692, OMIM 614327.

Submission:

Labcorp Genetics (formerly Invitae), Labcorp
Classification: Uncertain significance for BAP1-related tumor predisposition syndrome. Last evaluated: 2025-01-14. Review status: criteria provided, single submitter. Criteria: Invitae Variant Classification Sherloc (09022015). Collection method: clinical testing. Allele origin: germline.
Comment: This sequence change replaces valine, which is neutral and non-polar, with leucine, which is neutral and non-polar, at codon 704 of the BAP1 protein (p.Val704Leu). This variant is not present in population databases (gnomAD no frequency). This variant has not been reported in the literature in individuals affected with BAP1-related conditions. Invitae Evidence Modeling of protein sequence and biophysical properties (such as structural, functional, and spatial information, amino acid conservation, physicochemical variation, residue mobility, and thermodynamic stability) indicates that this missense variant is not expected to disrupt BAP1 protein function with a negative predictive value of 80%. In summary, the available evidence is currently insufficient to determine the role of this variant in disease. Therefore, it has been classified as a Variant of Uncertain Significance.